The following is an entry in ClinVar:

ClinVar aggregate classification (germline): Conflicting classifications of pathogenicity. Review status: criteria provided, conflicting classifications (1 of 4 stars). 2 submissions from 2 submitters: Likely pathogenic (1); Uncertain significance (1). Last evaluated 2024-02-09.

Conditions:
Lymphatic malformation 6 (LMPHM6). Also called: GENERALIZED LYMPHATIC DYSPLASIA OF FOTIOU; Lymphedema, hereditary, III; PIEZO1-related generalized lymphatic dysplasia with non-immune hydrops fetalis. Identifiers: Orphanet 568062, MedGen C4225184, MONDO:0014797, OMIM 616843.

gnomAD v4.1: 1 of 1,540,036 alleles (0.000065%); highest among the groups gnomAD compares: East Asian, 0.0025%; no homozygotes.

Submissions (2):

Revvity Omics, Revvity
Classification: Likely pathogenic. Last evaluated: 2024-02-09. Review status: criteria provided, single submitter. Criteria: ACMG Guidelines, 2015. Collection method: clinical testing. Allele origin: germline.

Victorian Clinical Genetics Services, Murdoch Childrens Research Institute
Classification: Uncertain significance for Lymphatic malformation 6. Last evaluated: 2022-02-02. Review status: criteria provided, single submitter. Criteria: ACMG Guidelines, 2015. Collection method: clinical testing. Allele origin: germline. Inheritance: Autosomal recessive inheritance. Affected: yes.
Comment: Based on the classification scheme VCGS_Germline_v1.3.4, this variant is classified as VUS-3A. Following criteria are met: 0103 - Loss of function and gain of function are known mechanisms of disease in this gene and are associated with lymphatic malformation 6 (LMPHM6; MIM#616843), and dehydrated hereditary stomatocytosis with or without pseudohyperkalemia and/or perinatal edema (DHS; MIM#194380), respectively (OMIM). (I) 0108 - This gene is associated with both recessive and dominant disease. LMPHM6 has been reported in individuals with biallelic variants, while DHS has only been reported in individuals with heterozygous missense variants or inframe duplication variants with a gain of function mechanism (OMIM). (I) 0200 - Variant is predicted to result in a missense amino acid change from glutamic acid to valine. (I) 0251 - This variant is heterozygous. (I) 0304 - Variant is present in gnomAD (v3) <0.01 for a recessive condition (1 heterozygote, 0 homozygotes). (SP) 0309 - An alternative amino acid change at the same position has been observed in gnomAD (v3) (1 heterozygote, 0 homozygotes). (I) 0501 - Missense variant consistently predicted to be damaging by multiple in silico tools or highly conserved with a major amino acid change. (SP) 0604 - Variant is not located in an established domain, motif, hotspot or informative constraint region. (I) 0705 - No comparable missense variants have previous evidence for pathogenicity. (I) 0807 - This variant has no previous evidence of pathogenicity. (I) 0905 - No published segregation evidence has been identified for this variant. (I) 1007 - No published functional evidence has been identified for this variant. (I) 1102 - Strong phenotype match for this individual. (SP) 1208 - Inheritance information for this variant is not currently available in this individual. (I) Legend: (SP) - Supporting pathogenic, (I) - Information, (SB) - Supporting benign

NM_001142864.4(PIEZO1):c.2486A>T (p.Glu829Val)

Genes: HSALR1 (HSP90AB1 associated lncRNA 1; plus strand), PIEZO1 (piezo type mechanosensitive ion channel component 1 (Er blood group); minus strand). Cytogenetic location: 16q24.3.
Variant type: single nucleotide variant.
Coding change: c.2486A>T on transcript NM_001142864.4 (MANE Select); coding-DNA position 2486, A replaced by T.
Protein change: p.Glu829Val; replaces glutamic acid 829 with valine.
Molecular consequence: missense variant.
Genome position (GRCh38, 1-based): chr16:88,733,589, T>A on the plus strand (A>T on the coding strand, the complement: PIEZO1 is on the minus strand). VCF-style: chr16-88733589-T-A. GRCh37 (hg19) VCF-style: chr16-88799997-T-A.
Other names: short protein forms E829V.
Identifiers: ClinVar variation 3376588 (VCV003376588.2).